The following is an entry in ClinVar:

NM_032043.3(BRIP1):c.3578C>A (p.Thr1193Lys)

Gene: BRIP1 (BRCA1 interacting DNA helicase 1; minus strand). Cytogenetic location: 17q23.2.
Variant type: single nucleotide variant.
Coding change: c.3578C>A on transcript NM_032043.3 (MANE Select); coding-DNA position 3578, C replaced by A.
Protein change: p.Thr1193Lys; replaces threonine 1193 with lysine.
Molecular consequence: missense variant.
Genome position (GRCh38, 1-based): chr17:61,683,468, G>T on the plus strand (C>A on the coding strand, the complement: BRIP1 is on the minus strand). VCF-style: chr17-61683468-G-T. GRCh37 (hg19) VCF-style: chr17-59760829-G-T.
Other names: short protein forms T1193K.
Identifiers: ClinVar variation 943036 (VCV000943036.15), dbSNP rs1368343911, ClinGen allele CA400478182.

ClinVar aggregate classification (germline): Uncertain significance. Review status: criteria provided, multiple submitters, no conflicts (2 of 4 stars). 3 submissions from 3 submitters: Uncertain significance (3). Last evaluated 2025-09-28.

Conditions:
Familial cancer of breast. Also called: BREAST CANCER, FAMILIAL; Hereditary breast cancer; hereditary breast carcinoma. Identifiers: Orphanet 227535, MedGen C0346153, MONDO:0016419, OMIM 114480. Disease mechanism: loss of function.
Fanconi anemia complementation group J. Also called: BRIP1-Related Fanconi Anemia. Identifiers: Orphanet 84, MedGen C1836860, MONDO:0012187, OMIM 609054.
Hereditary cancer-predisposing syndrome. Also called: Neoplastic Syndromes, Hereditary; Hereditary neoplastic syndrome; Hereditary Cancer Syndrome; Tumor predisposition. Identifiers: Orphanet 140162, MedGen C0027672, MeSH D009386, MONDO:0015356.

Submissions (3):

Ambry Genetics
Classification: Uncertain significance for Hereditary cancer-predisposing syndrome. Last evaluated: 2025-09-28. Review status: criteria provided, single submitter. Criteria: Ambry Variant Classification Scheme 2023. Collection method: clinical testing. Allele origin: germline.
Comment: The p.T1193K variant (also known as c.3578C>A), located in coding exon 19 of the BRIP1 gene, results from a C to A substitution at nucleotide position 3578. The threonine at codon 1193 is replaced by lysine, an amino acid with similar properties. This amino acid position is conserved. In addition, this alteration is predicted to be tolerated by in silico analysis. Since supporting evidence is limited at this time, the clinical significance of this alteration remains unclear.

Labcorp Genetics (formerly Invitae), Labcorp
Classification: Uncertain significance for Familial cancer of breast; Fanconi anemia complementation group J. Last evaluated: 2025-07-07. Review status: criteria provided, single submitter. Criteria: Invitae Variant Classification Sherloc (09022015). Collection method: clinical testing. Allele origin: germline.
Comment: This sequence change replaces threonine, which is neutral and polar, with lysine, which is basic and polar, at codon 1193 of the BRIP1 protein (p.Thr1193Lys). This variant is not present in population databases (gnomAD no frequency). This variant has not been reported in the literature in individuals affected with BRIP1-related conditions. ClinVar contains an entry for this variant (Variation ID: 943036). Invitae Evidence Modeling of protein sequence and biophysical properties (such as structural, functional, and spatial information, amino acid conservation, physicochemical variation, residue mobility, and thermodynamic stability) indicates that this missense variant is not expected to disrupt BRIP1 protein function with a negative predictive value of 95%. In summary, the available evidence is currently insufficient to determine the role of this variant in disease. Therefore, it has been classified as a Variant of Uncertain Significance.

Color Diagnostics, LLC DBA Color Health
Classification: Uncertain significance for Hereditary cancer-predisposing syndrome. Last evaluated: 2023-07-10. Review status: criteria provided, single submitter. Criteria: ACMG Guidelines, 2015. Collection method: clinical testing. Allele origin: germline.
Comment: This missense variant replaces threonine with lysine at codon 1193 of the BRIP1 protein. Computational prediction suggests that this variant may not impact protein structure and function (internally defined REVEL score threshold <= 0.5, PMID: 27666373). To our knowledge, functional studies have not been reported for this variant. This variant has not been reported in individuals affected with BRIP1-related disorders in the literature. This variant has not been identified in the general population by the Genome Aggregation Database (gnomAD). The available evidence is insufficient to determine the role of this variant in disease conclusively. Therefore, this variant is classified as a Variant of Uncertain Significance.